The following is an entry in ClinVar:

ClinVar aggregate classification (germline): Uncertain significance (1 of 4 stars; one submission).

Conditions:
Inborn genetic diseases. Identifiers: MedGen C0950123, MeSH D030342.

Allele frequency attached by ClinVar (database versions not stated): TOPMed below 0.00001; gnomAD exomes 0.00001.
gnomAD v4.1: 5 of 1,614,188 alleles (0.00031%); highest among the groups gnomAD compares: Admixed American, 0.0083%; no homozygotes.

Submission:

Ambry Genetics
Classification: Uncertain significance for Inborn genetic diseases. Last evaluated: 2023-11-03. Review status: criteria provided, single submitter. Criteria: Ambry Variant Classification Scheme 2023. Collection method: clinical testing. Allele origin: germline.
Comment: The p.Y342C variant (also known as c.1025A>G), located in coding exon 8 of the EPAS1 gene, results from an A to G substitution at nucleotide position 1025. The tyrosine at codon 342 is replaced by cysteine, an amino acid with highly dissimilar properties. This amino acid position is conserved. In addition, the in silico prediction for this alteration is inconclusive. Since supporting evidence is limited at this time, the clinical significance of this alteration remains unclear.

NM_001430.5(EPAS1):c.1025A>G (p.Tyr342Cys)

Gene: EPAS1 (endothelial PAS domain protein 1; plus strand). Cytogenetic location: 2p21.
Variant type: single nucleotide variant.
Coding change: c.1025A>G on transcript NM_001430.5 (MANE Select); coding-DNA position 1025, A replaced by G.
Protein change: p.Tyr342Cys; replaces tyrosine 342 with cysteine.
Molecular consequence: missense variant.
Genome position (GRCh38, 1-based): chr2:46,375,828, A>G. VCF-style: chr2-46375828-A-G. GRCh37 (hg19) VCF-style: chr2-46602967-A-G.
Other names: short protein forms Y342C.
Identifiers: ClinVar variation 1769247 (VCV001769247.2), dbSNP rs1418624074, ClinGen allele CA346702999.